The following is an entry in ClinVar:

NM_000088.4(COL1A1):c.1057-1G>A

Gene: COL1A1 (collagen type I alpha 1 chain; minus strand). Cytogenetic location: 17q21.33.
Variant type: single nucleotide variant.
Coding change: c.1057-1G>A on transcript NM_000088.4 (MANE Select); the canonical splice acceptor site of the intron before coding-DNA position 1057, G replaced by A.
Molecular consequence: splice acceptor variant.
Genome position (GRCh38, 1-based): chr17:50,195,666, C>T on the plus strand (G>A on the coding strand, the complement: COL1A1 is on the minus strand). VCF-style: chr17-50195666-C-T. GRCh37 (hg19) VCF-style: chr17-48273027-C-T.
Identifiers: ClinVar variation 526850 (VCV000526850.12), dbSNP rs1555574177, ClinGen allele CA400220332.

ClinVar aggregate classification (germline): Pathogenic. Review status: criteria provided, multiple submitters, no conflicts (2 of 4 stars). 2 submissions from 2 submitters: Pathogenic (2). Last evaluated 2025-05-23.

Conditions:
Osteogenesis imperfecta type I (OI1). Also called: Osteogenesis imperfecta type 1; OI, TYPE I; OSTEOGENESIS IMPERFECTA TARDA; OSTEOGENESIS IMPERFECTA WITH BLUE SCLERAE; Lobstein's Disease; Lobstein disease. Identifiers: Orphanet 216796, Orphanet 666, MedGen C0023931, MONDO:0008146, OMIM 166200. Disease mechanism: loss of function.

Submissions (2):

Clinical Biomedical Laboratory, Shriners Hospital For Children - Canada
Classification: Pathogenic for Osteogenesis imperfecta type I. Last evaluated: 2025-05-23. Review status: criteria provided, single submitter. Criteria: ACMG Guidelines, 2015. Collection method: clinical testing. Allele origin: germline. Affected: yes.
Comment: This variant affects a consensus splice site in COL1A1. This variant is absent from the Genome Aggregation Database (v2.1.1). Variants affecting consensus splice sites in COL1A1 are a typical cause of osteogenesis imperfecta. This variant has been observed in individuals with autosomal dominant osteogenesis imperfecta (PMID: 27132807).

Labcorp Genetics (formerly Invitae), Labcorp
Classification: Pathogenic for Osteogenesis imperfecta type I. Last evaluated: 2022-08-07. Review status: criteria provided, single submitter. Criteria: Invitae Variant Classification Sherloc (09022015). Collection method: clinical testing. Allele origin: germline.
Comment: This sequence change affects an acceptor splice site in intron 16 of the COL1A1 gene. It is expected to disrupt RNA splicing. Variants that disrupt the donor or acceptor splice site typically lead to a loss of protein function (PMID: 16199547), and loss-of-function variants in COL1A1 are known to be pathogenic (PMID: 7942841, 9295084, 9443882). This variant is not present in population databases (gnomAD no frequency). Disruption of this splice site has been observed in individuals with osteogenesis imperfecta (PMID: 25963598, 27132807; Invitae). ClinVar contains an entry for this variant (Variation ID: 526850). Algorithms developed to predict the effect of sequence changes on RNA splicing suggest that this variant may disrupt the consensus splice site. For these reasons, this variant has been classified as Pathogenic.

Literature cited by the submitters: PubMed 27132807 (cited by Clinical Biomedical Laboratory, Shriners Hospital For Children - Canada and Labcorp Genetics (formerly Invitae), Labcorp); PubMed 16199547 (cited by Labcorp Genetics (formerly Invitae), Labcorp); PubMed 7942841 (cited by Labcorp Genetics (formerly Invitae), Labcorp); PubMed 9295084 (cited by Labcorp Genetics (formerly Invitae), Labcorp); PubMed 9443882 (cited by Labcorp Genetics (formerly Invitae), Labcorp); PubMed 25963598 (cited by Labcorp Genetics (formerly Invitae), Labcorp).